The following is an entry in ClinVar:

NM_001366521.1(ATP2B1):c.2290G>C (p.Val764Leu)

Gene: ATP2B1 (ATPase plasma membrane Ca2+ transporting 1; minus strand). Cytogenetic location: 12q21.33.
Variant type: single nucleotide variant.
Coding change: c.2290G>C on transcript NM_001366521.1 (MANE Select); coding-DNA position 2290, G replaced by C.
Protein change: p.Val764Leu; replaces valine 764 with leucine.
Molecular consequence: missense variant. On other transcripts: non-coding transcript variant (3).
Genome position (GRCh38, 1-based): chr12:89,610,466, C>G on the plus strand (G>C on the coding strand, the complement: ATP2B1 is on the minus strand). VCF-style: chr12-89610466-C-G. GRCh37 (hg19) VCF-style: chr12-90004243-C-G.
Other names: c.2290G>C, p.Val764Leu (NM_001001323.2, NM_001366520.1, NM_001366522.1 and 12 more transcripts); c.2092G>C, p.Val698Leu (NM_001366530.1, NM_001413053.1); c.1729G>C, p.Val577Leu (NM_001366531.1, NM_001366532.1, NM_001413058.1 and 2 more transcripts); c.2251G>C, p.Val751Leu (NM_001413048.1); c.2149G>C, p.Val717Leu (NM_001413051.1, NM_001413052.1, NM_001413055.1); c.2047G>C, p.Val683Leu (NM_001413054.1); c.2035G>C, p.Val679Leu (NM_001413056.1); c.1837G>C, p.Val613Leu (NM_001413057.1); short protein forms V577L, V613L, V679L, V683L, V698L, V717L, V751L, V764L.
Identifiers: ClinVar variation 3348079 (VCV003348079.1).
Genomic context (GRCh38, chr12:89,610,466, plus strand): 5'-GAAAAATCTACTTACCTTTAACCAGTGTATGCTTATCAGTAGGAGATGATCTTGCAAGTA[C>G]TCGAAGTTTTGGCCAAATCTTGTCTATCCTCTCTTGCTCAATCTATAAGTGTTTATCAAA-3'
Protein context (NP_001353450.1, residues 754-774): RIDKIWPKLR[Val764Leu]LARSSPTDKH

ClinVar aggregate classification (germline): Uncertain significance (0 of 4 stars; one submission).

Conditions:
ATP2B1-related disorder. Also called: ATP2B1-related condition.

gnomAD v4.1: 1 of 1,613,800 alleles (0.000062%); highest among the groups gnomAD compares: Non-Finnish European, 0.000085%; no homozygotes.

Submission:

PreventionGenetics, part of Exact Sciences
Classification: Uncertain significance for ATP2B1-related condition. Last evaluated: 2024-06-04. Review status: no assertion criteria provided. Collection method: clinical testing. Allele origin: germline.
Comment: The ATP2B1 c.2290G>C variant is predicted to result in the amino acid substitution p.Val764Leu. To our knowledge, this variant has not been reported in the literature or in a large population database, indicating this variant is rare. At this time, the clinical significance of this variant is uncertain due to the absence of conclusive functional and genetic evidence.